The following is an entry in ClinVar:

ClinVar aggregate classification (germline): Benign/Likely benign. Review status: criteria provided, multiple submitters, no conflicts (2 of 4 stars). 4 submissions from 4 submitters: Benign (2); Likely benign (1). 1 of the submissions does not count toward it. Last evaluated 2026-01-15.

Conditions:
Inclusion body myopathy with early-onset Paget disease with or without frontotemporal dementia 2 (IBMPFD2). Also called: MULTISYSTEM PROTEINOPATHY 2. Identifiers: MedGen C3809468, MONDO:0014178, OMIM 615422.
HNRNPA2B1-related disorder. Also called: HNRNPA2B1-related condition.

Allele frequency attached by ClinVar (database versions not stated): gnomAD exomes 0.00019 and 0.00053; ExAC 0.00062; 1000 Genomes Project 0.00140; 1000 Genomes Project 30x 0.00141; ESP Exome Variant Server 0.00154; gnomAD 0.00197 and 0.00214; TOPMed 0.00202.
gnomAD v4.1: 591 of 1,613,306 alleles (0.037%); highest among the groups gnomAD compares: African/African-American, 0.71%; 1 homozygote.

Submissions (4):

Labcorp Genetics (formerly Invitae), Labcorp
Classification: Benign for Inclusion body myopathy with early-onset Paget disease with or without frontotemporal dementia 2. Last evaluated: 2026-01-15. Review status: criteria provided, single submitter. Criteria: Invitae Variant Classification Sherloc (09022015). Collection method: clinical testing. Allele origin: germline.

CeGaT Center for Human Genetics Tuebingen
Classification: Likely benign. Last evaluated: 2024-08-01. Review status: criteria provided, single submitter. Criteria: CeGaT Center For Human Genetics Tuebingen Variant Classification Criteria Version 2. Collection method: clinical testing. Allele origin: germline. Affected: yes. Observed: 1 variant allele.
Comment: HNRNPA2B1: BP4, BP7, BS1

GeneDx
Classification: Benign. Last evaluated: 2020-06-19. Review status: criteria provided, single submitter. Criteria: GeneDx Variant Classification Process June 2021. Collection method: clinical testing. Allele origin: germline. Affected: yes.

PreventionGenetics, part of Exact Sciences
Classification: Benign for HNRNPA2B1-related condition. Last evaluated: 2020-01-13. Review status: no assertion criteria provided. Collection method: clinical testing. Allele origin: germline. Not counted in ClinVar's aggregate classification.
Comment: This variant is classified as benign based on ACMG/AMP sequence variant interpretation guidelines (Richards et al. 2015 PMID: 25741868, with internal and published modifications).

NM_002137.4(HNRNPA2B1):c.288T>C (p.His96=)

Gene: HNRNPA2B1 (heterogeneous nuclear ribonucleoprotein A2/B1; minus strand). Cytogenetic location: 7p15.2.
Variant type: single nucleotide variant.
Coding change: c.288T>C on transcript NM_002137.4 (MANE Select); coding-DNA position 288, T replaced by C.
Protein change: p.His96=; no amino-acid change (histidine 96 retained).
Molecular consequence: synonymous variant.
Genome position (GRCh38, 1-based): chr7:26,196,994, A>G on the plus strand (T>C on the coding strand, the complement: HNRNPA2B1 is on the minus strand). VCF-style: chr7-26196994-A-G. GRCh37 (hg19) VCF-style: chr7-26236614-A-G.
Other names: c.324T>C, p.His108= (NM_031243.4).
Identifiers: ClinVar variation 541430 (VCV000541430.33), dbSNP rs142061533, ClinGen allele CA4194688.
Genomic context (GRCh38, chr7:26,196,994, plus strand): 5'-AAGGTGATGTTCCTCAGTATCTTCTTTAATTCCGCCAACAAACAGCTTCTTCACAGTTAC[A>G]TGAGCCCCTGGTTTTCCAGATTCCTAAAATAGTGGTGGGGTAAAAGTCATCCAAACAGAA-3'
Protein context (NP_002128.1, residues 86-106): AREESGKPGA[His96=]VTVKKLFVGG